The following is an entry in ClinVar:

NM_001384474.1(LOXHD1):c.2746AAG[2] (p.Lys918del)

Gene: LOXHD1 (lipoxygenase homology PLAT domains 1; minus strand). Cytogenetic location: 18q21.1.
Variant type: Microsatellite.
Coding change: c.2746AAG[2] on transcript NM_001384474.1 (MANE Select); two copies in a row of the 3-base unit AAG starting at c.2746; the reference has three copies in a row; one copy, 3 bases deleted.
Protein change: p.Lys918del; deletes lysine 918.
Molecular consequence: inframe deletion.
Genome position (GRCh38, 1-based): chr18:46,560,390-46,560,392, CTT deleted on the plus strand (AAG on the coding strand, the reverse complement: LOXHD1 is on the minus strand); deleting any 3 consecutive bases within chr18:46,560,390-46,560,399 gives the same sequence; the position shown is the placement nearest the transcript's 3' end. VCF-style (leftmost placement, unchanged base first): chr18-46560389-CCTT-C. GRCh37 (hg19) VCF-style: chr18-44140352-CCTT-C.
Other names: c.2746AAG[2], p.Lys918del (NM_144612.7); short protein forms K918del.
Identifiers: ClinVar variation 5003665 (VCV005003665.1).
Genomic context (GRCh38, chr18:46,560,389, plus strand): 5'-TCCTCTGCAGCTTGGCCTTCAGCCGCTCCTTCTTGAGCAGCTGCCGCAGCTTGTCCTTCT[CCTT>C]CTTCTTCCGGGCCTCCTCCTCCGGCGTGAGGTCCACCTCCCGCACCACCAGGTGCCGCAG-3'

ClinVar aggregate classification (germline): Uncertain significance (1 of 4 stars; one submission).

Conditions:
Autosomal recessive nonsyndromic hearing loss 77. Identifiers: Orphanet 90636, MedGen C2746083, MONDO:0013119, OMIM 613079.

Submission:

Myriad Genetics, Inc.
Classification: Uncertain significance for Autosomal recessive nonsyndromic hearing loss 77. Last evaluated: 2026-04-27. Review status: criteria provided, single submitter. Criteria: Myriad Autosomal Dominant, Autosomal Recessive and X-Linked Classification Criteria (2023). Collection method: clinical testing. Allele origin: unknown.
Comment: NM_144612.6(LOXHD1):c.2752_2754delAAG(K918del) is an in-frame deletion classified as a variant of uncertain significance in the context of nonsyndromic hearing loss, LOXHD1-related. K918del has not been observed in cases with relevant disease. Relevant functional assessments of this variant are not available in the literature. K918del has been observed in referenced population frequency databases. In summary, there is insufficient evidence to classify NM_144612.6(LOXHD1):c.2752_2754delAAG(K918del) as pathogenic or benign. Please note: this variant was assessed in the context of healthy population screening.